The following is an entry in ClinVar:

NM_031310.3(PLVAP):c.98C>T (p.Ser33Phe)

Gene: PLVAP (plasmalemma vesicle associated protein; minus strand). Cytogenetic location: 19p13.11.
Variant type: single nucleotide variant.
Coding change: c.98C>T on transcript NM_031310.3 (MANE Select); coding-DNA position 98, C replaced by T.
Protein change: p.Ser33Phe; replaces serine 33 with phenylalanine.
Molecular consequence: missense variant.
Genome position (GRCh38, 1-based): chr19:17,377,191, G>A on the plus strand (C>T on the coding strand, the complement: PLVAP is on the minus strand). VCF-style: chr19-17377191-G-A. GRCh37 (hg19) VCF-style: chr19-17488000-G-A.
Other names: short protein forms S33F.
Identifiers: ClinVar variation 4768698 (VCV004768698.1).

ClinVar aggregate classification (germline): Uncertain significance (1 of 4 stars; one submission).

Submission:

Labcorp Genetics (formerly Invitae), Labcorp
Classification: Uncertain significance. Last evaluated: 2025-04-01. Review status: criteria provided, single submitter. Criteria: Invitae Variant Classification Sherloc (09022015). Collection method: clinical testing. Allele origin: germline.
Comment: This sequence change replaces serine, which is neutral and polar, with phenylalanine, which is neutral and non-polar, at codon 33 of the PLVAP protein (p.Ser33Phe). This variant is not present in population databases (gnomAD no frequency). This variant has not been reported in the literature in individuals affected with PLVAP-related conditions. Invitae Evidence Modeling of protein sequence and biophysical properties (such as structural, functional, and spatial information, amino acid conservation, physicochemical variation, residue mobility, and thermodynamic stability) indicates that this missense variant is expected to disrupt PLVAP protein function with a positive predictive value of 80%. In summary, the available evidence is currently insufficient to determine the role of this variant in disease. Therefore, it has been classified as a Variant of Uncertain Significance.